The following is an entry in ClinVar:

ClinVar aggregate classification (germline): Uncertain significance. Review status: criteria provided, multiple submitters, no conflicts (2 of 4 stars). 2 submissions from 2 submitters: Uncertain significance (2). Last evaluated 2025-10-03.

Conditions:
Inborn genetic diseases. Identifiers: MedGen C0950123, MeSH D030342.

gnomAD v4.1: 1 of 1,613,836 alleles (0.000062%); highest among the groups gnomAD compares: Non-Finnish European, 0.000085%; no homozygotes.

Submissions (2):

Labcorp Genetics (formerly Invitae), Labcorp
Classification: Uncertain significance. Last evaluated: 2025-10-03. Review status: criteria provided, single submitter. Criteria: Invitae Variant Classification Sherloc (09022015). Collection method: clinical testing. Allele origin: germline.
Comment: This sequence change replaces glutamic acid, which is acidic and polar, with lysine, which is basic and polar, at codon 775 of the SAMD9 protein (p.Glu775Lys). This variant is not present in population databases (gnomAD no frequency). This variant has not been reported in the literature in individuals affected with SAMD9-related conditions. ClinVar contains an entry for this variant (Variation ID: 3624851). Invitae Evidence Modeling of protein sequence and biophysical properties (such as structural, functional, and spatial information, amino acid conservation, physicochemical variation, residue mobility, and thermodynamic stability) indicates that this missense variant is not expected to disrupt SAMD9 protein function with a negative predictive value of 95%. In summary, the available evidence is currently insufficient to determine the role of this variant in disease. Therefore, it has been classified as a Variant of Uncertain Significance.

Ambry Genetics
Classification: Uncertain significance for Inborn genetic diseases. Last evaluated: 2025-03-01. Review status: criteria provided, single submitter. Criteria: Ambry Variant Classification Scheme 2023. Collection method: clinical testing. Allele origin: germline.
Comment: The p.E775K variant (also known as c.2323G>A), located in coding exon 1 of the SAMD9 gene, results from a G to A substitution at nucleotide position 2323. The glutamic acid at codon 775 is replaced by lysine, an amino acid with similar properties. This amino acid position is conserved. In addition, this alteration is predicted to be tolerated by in silico analysis. Based on the available evidence, the clinical significance of this variant remains unclear.

NM_017654.4(SAMD9):c.2323G>A (p.Glu775Lys)

Gene: SAMD9 (sterile alpha motif domain containing 9; minus strand). Cytogenetic location: 7q21.2.
Variant type: single nucleotide variant.
Coding change: c.2323G>A on transcript NM_017654.4 (MANE Select); coding-DNA position 2323, G replaced by A.
Protein change: p.Glu775Lys; replaces glutamic acid 775 with lysine.
Molecular consequence: missense variant.
Genome position (GRCh38, 1-based): chr7:93,103,775, C>T on the plus strand (G>A on the coding strand, the complement: SAMD9 is on the minus strand). VCF-style: chr7-93103775-C-T. GRCh37 (hg19) VCF-style: chr7-92733088-C-T.
Other names: c.2323G>A (NM_017654.3); c.2323G>A, p.Glu775Lys (NM_001193307.2); short protein forms E775K.
Identifiers: ClinVar variation 3624851 (VCV003624851.3).